The following is an entry in ClinVar:

ClinVar aggregate classification (germline): Uncertain significance (1 of 4 stars; one submission).

Conditions:
Rhabdoid tumor predisposition syndrome 2 (RTPS2). Identifiers: Orphanet 231108, Orphanet 69077, MedGen C2750074, MONDO:0013224, OMIM 613325.

Submission:

Labcorp Genetics (formerly Invitae), Labcorp
Classification: Uncertain significance for Rhabdoid tumor predisposition syndrome 2. Last evaluated: 2023-03-20. Review status: criteria provided, single submitter. Criteria: Invitae Variant Classification Sherloc (09022015). Collection method: clinical testing. Allele origin: germline.
Comment: This sequence change replaces threonine, which is neutral and polar, with asparagine, which is neutral and polar, at codon 1034 of the SMARCA4 protein (p.Thr1034Asn). In summary, the available evidence is currently insufficient to determine the role of this variant in disease. Therefore, it has been classified as a Variant of Uncertain Significance. Advanced modeling of protein sequence and biophysical properties (such as structural, functional, and spatial information, amino acid conservation, physicochemical variation, residue mobility, and thermodynamic stability) performed at Invitae indicates that this missense variant is expected to disrupt SMARCA4 protein function. This variant has not been reported in the literature in individuals affected with SMARCA4-related conditions. This variant is not present in population databases (gnomAD no frequency).

NM_003072.5(SMARCA4):c.3101C>A (p.Thr1034Asn)

Gene: SMARCA4 (SWI/SNF related BAF chromatin remodeling complex subunit ATPase 4; plus strand). Cytogenetic location: 19p13.2.
Variant type: single nucleotide variant.
Coding change: c.3101C>A on transcript NM_003072.5 (MANE Select); coding-DNA position 3101, C replaced by A.
Protein change: p.Thr1034Asn; replaces threonine 1034 with asparagine.
Molecular consequence: missense variant. On other transcripts: non-coding transcript variant (1).
Genome position (GRCh38, 1-based): chr19:11,025,441, C>A. VCF-style: chr19-11025441-C-A. GRCh37 (hg19) VCF-style: chr19-11136117-C-A.
Other names: c.3101C>A, p.Thr1034Asn (NM_001128844.3, NM_001128845.2, NM_001128846.2 and 6 more transcripts); short protein forms T1034N.
Identifiers: ClinVar variation 2847611 (VCV002847611.3), dbSNP rs1568493644, ClinGen allele CA404059169.